The following is an entry in ClinVar:

NM_002087.4(GRN):c.599-2A>G

Gene: GRN (granulin precursor; plus strand). Cytogenetic location: 17q21.31.
Variant type: single nucleotide variant.
Coding change: c.599-2A>G on transcript NM_002087.4 (MANE Select); the canonical splice acceptor site of the intron before coding-DNA position 599, A replaced by G.
Molecular consequence: splice acceptor variant.
Genome position (GRCh38, 1-based): chr17:44,350,689, A>G. VCF-style: chr17-44350689-A-G. GRCh37 (hg19) VCF-style: chr17-42428057-A-G.
Identifiers: ClinVar variation 1697215 (VCV001697215.1), dbSNP rs1191556044, ClinGen allele CA399764055.
Genomic context (GRCh38, chr17:44,350,689, plus strand): 5'-CTCCAAGTGTAGGAAAAAGTTTCCTCCATCCTGGCTGCCCCTCACGTTTGCTCCTCTTCC[A>G]GTGGCCTTGTCCAGCTCGGTCATGTGTCCGGACGCACGGTCCCGGTGCCCTGATGGTTCT-3'

ClinVar aggregate classification (germline): Pathogenic (1 of 4 stars; one submission).

Conditions:
GRN-related frontotemporal lobar degeneration with Tdp43 inclusions (FTD2). Also called: DEMENTIA, HEREDITARY DYSPHASIC DISINHIBITION; GRN Frontotemporal Dementia; FRONTOTEMPORAL DEMENTIA WITH TDP43 INCLUSIONS, GRN-RELATED; FRONTOTEMPORAL LOBAR DEGENERATION WITH UBIQUITIN-POSITIVE INCLUSIONS; FTLD-TDP, GRN-RELATED. Identifiers: Orphanet 100070, Orphanet 282, MedGen C1843792, MONDO:0011842, OMIM 607485. Disease mechanism: loss of function.

Allele frequency attached by ClinVar (database versions not stated): gnomAD exomes below 0.00001.

Submission:

Institute of Medical Genetics and Applied Genomics, University Hospital Tübingen
Classification: Pathogenic for GRN-related frontotemporal lobar degeneration with Tdp43 inclusions. Last evaluated: 2022-07-20. Review status: criteria provided, single submitter. Criteria: ACMG Guidelines, 2015. Collection method: clinical testing. Allele origin: germline. Inheritance: Autosomal dominant inheritance. Affected: yes.
Comment: HGMD/ ClinVar: many truncating variant 3' of this variant published, another ss SNV at the splice donor site of this intron (c.598+1G>A) already publishes (PMID:31914217, Ramos 2020); gnomAD: only 1 het sample (v2.1.1) which is a neuro sample (not in "control" and not in "non-neuro" dataset); complete loss of splice acceptor site detected (exon number of nucleotides is not divisable by three - possible out of frame exon scipping); adjacent and possible scipped exon 7 is coding for a specific function GRAN protein domain